The following is an entry in ClinVar:

ClinVar aggregate classification (germline): Uncertain significance (1 of 4 stars; one submission).

Conditions:
SEMA3C-related disorder. Also called: SEMA3C-related condition.

Submission:

PreventionGenetics, part of Exact Sciences
Classification: Uncertain significance for SEMA3C-related condition. Last evaluated: 2026-09-17. Review status: criteria provided, single submitter. Criteria: ACMG Guidelines, 2015. Collection method: clinical testing. Allele origin: germline.
Comment: The SEMA3C c.1794G>C variant is predicted to result in the amino acid substitution p.Gln598His. To our knowledge, this variant has not been reported in the literature. This variant is reported in 0.00089% of alleles in individuals of European (Non-Finnish) descent in gnomAD. At this time, the clinical significance of this variant is uncertain due to the absence of conclusive functional and genetic evidence.

NM_006379.5(SEMA3C):c.1740G>C (p.Gln580His)

Gene: SEMA3C (semaphorin 3C; minus strand). Cytogenetic location: 7q21.11.
Variant type: single nucleotide variant.
Coding change: c.1740G>C on transcript NM_006379.5 (MANE Select); coding-DNA position 1740, G replaced by C.
Protein change: p.Gln580His; replaces glutamine 580 with histidine.
Molecular consequence: missense variant.
Genome position (GRCh38, 1-based): chr7:80,749,000, C>G on the plus strand (G>C on the coding strand, the complement: SEMA3C is on the minus strand). VCF-style: chr7-80749000-C-G. GRCh37 (hg19) VCF-style: chr7-80378316-C-G.
Other names: c.1794G>C, p.Gln598His (NM_001350120.2); c.1566G>C, p.Gln522His (NM_001350121.2); short protein forms Q522H, Q580H, Q598H.
Identifiers: ClinVar variation 3351156 (VCV003351156.2).